The following is an entry in ClinVar:

ClinVar aggregate classification (germline): Conflicting classifications of pathogenicity. Review status: criteria provided, conflicting classifications (1 of 4 stars). 3 submissions from 3 submitters: Likely pathogenic (1); Uncertain significance (1). 1 of the submissions does not count toward it. Last evaluated 2026-05-04.

Conditions:
MASTL-related disorder. Also called: MASTL-related condition.
Thrombocytopenia 2 (THC2). Also called: ANKRD26-Related Thrombocytopenia. Identifiers: Orphanet 268322, MedGen C1861185, MONDO:0008555, OMIM 188000.

Allele frequency attached by ClinVar (database versions not stated): ExAC 0.00001; gnomAD exomes 0.00001 and 0.00003; gnomAD 0.00002; TOPMed 0.00002.
gnomAD v4.1: 20 of 1,613,074 alleles (0.0012%); highest among the groups gnomAD compares: African/African-American, 0.0027%; no homozygotes.

Submissions (3):

PreventionGenetics, part of Exact Sciences
Classification: Likely pathogenic for MASTL-related condition. Last evaluated: 2026-05-04. Review status: criteria provided, single submitter. Criteria: ACMG Guidelines, 2015. Collection method: clinical testing. Allele origin: germline.
Comment: The MASTL c.501G>C variant is predicted to result in the amino acid substitution p.Glu167Asp. This variant has been reported to segregate in two large families with autosomal dominant thrombocytopenia (Drachman et al. 2000. PubMed ID: 10891439; Gandhi et al. 2003. PubMed ID: 12890928; Di Paola et al. 2011. PubMed ID: 22102272). Functional analysis in a mouse model showed that this variant appears to act through a gain of function mechanism by increasing phosphorylation of Cdk and PP2A substrates which subsequently alter signaling pathways leading to actin cytoskeletal changes (Hurtado et al. 2018. PubMed ID: 30252678). At PreventionGenetics, the MASTL p.Glu167Asp variant has been reported in two separate families with autosomal dominant thrombocytopenia; however, in both families this variant was transmitted with the ANKRD26 c.-126T>C variant (Internal Data). Previous studies have shown that the MASTL gene resides in a genomic locus that is in linkage disequilibrium with other genes like ANKRD26 that are also known to cause thrombocytopenia (Pippucci et al. 2011. PubMed ID: 21211618; Noris et al. 2011. PubMed ID: 21467542). Currently it is unknown whether the presence of additional variants in this linked locus modulate the phenotypic expression of thrombocytopenia. This variant is reported in 0.019% of alleles in individuals of Ashkenazi Jewish descent in gnomAD. Based on this evidence, we interpret the MASTL c.501G>C (p.Glu167Asp) variant as likely pathogenic.

Mayo Clinic Laboratories, Mayo Clinic
Classification: Uncertain significance. Last evaluated: 2025-03-12. Review status: criteria provided, single submitter. Criteria: ACMG Guidelines, 2015. Collection method: clinical testing. Allele origin: germline. Observed: 1 variant allele.
Comment: BP4, PP1_moderate

OMIM
Classification: Uncertain significance for RECLASSIFIED - VARIANT OF UNKNOWN SIGNIFICANCE. Last evaluated: 2009-08-01. Review status: no assertion criteria provided. Collection method: literature only. Allele origin: germline. Not counted in ClinVar's aggregate classification.

Literature cited by the submitters: PubMed 12890928 (cited by Mayo Clinic Laboratories, Mayo Clinic and OMIM); PubMed 22102272 (cited by Mayo Clinic Laboratories, Mayo Clinic and OMIM); PubMed 30252678 (cited by Mayo Clinic Laboratories, Mayo Clinic); PubMed 10891439 (cited by OMIM); PubMed 19460416 (cited by OMIM).

NM_001172303.3(MASTL):c.501G>C (p.Glu167Asp)

Gene: MASTL (microtubule associated serine/threonine kinase like; plus strand). Cytogenetic location: 10p12.1.
Variant type: single nucleotide variant.
Coding change: c.501G>C on transcript NM_001172303.3 (MANE Select); coding-DNA position 501, G replaced by C.
Protein change: p.Glu167Asp; replaces glutamic acid 167 with aspartic acid.
Molecular consequence: missense variant. On other transcripts: non-coding transcript variant (1).
Genome position (GRCh38, 1-based): chr10:27,161,130, G>C. VCF-style: chr10-27161130-G-C. GRCh37 (hg19) VCF-style: chr10-27450059-G-C.
Other names: c.501G>C, p.Glu167Asp (NM_001172304.3, NM_001320756.2, NM_001320757.2 and 1 more transcripts); c.18G>C, p.Glu6Asp (NM_001372029.1, NM_001372030.1); c.501G>C (NM_032844.4); short protein forms E167D, E6D.
Identifiers: ClinVar variation 2469 (VCV000002469.4), dbSNP rs28941470, ClinGen allele CA115572.